The following is an entry in ClinVar:

NM_014946.4(SPAST):c.945del (p.Asn316fs)

Gene: SPAST (spastin; plus strand). Cytogenetic location: 2p22.3.
Variant type: Deletion.
Coding change: c.945del on transcript NM_014946.4 (MANE Select); coding-DNA position 945, one base deleted (G; older notation c.945delG).
Protein change: p.Asn316fs; shifts the reading frame from asparagine 316.
Molecular consequence: frameshift variant.
Genome position (GRCh38, 1-based): chr2:32,115,776, G deleted. VCF-style (leftmost placement, unchanged base first): chr2-32115775-AG-A. GRCh37 (hg19) VCF-style: chr2-32340844-AG-A.
Other names: c.942del, p.Asn315fs (NM_001363823.2); c.846del, p.Asn283fs (NM_001363875.2); c.849del, p.Asn284fs (NM_001377959.1, NM_199436.2); short protein forms N284fs, N316fs, N283fs, N315fs.
Identifiers: ClinVar variation 3720311 (VCV003720311.2).
Genomic context (GRCh38, chr2:32,115,775, plus strand): 5'-CAAATAGGACAAATAAACCTTCTACCCCTACAACTGCTACTCGTAAGAAAAAAGACTTGA[AG>A]AATTTTAGGAATGTGGACAGCAACCTTGCTAACCTTATAATGAATGAAATTGTGGACAAG-3'

ClinVar aggregate classification (germline): Pathogenic (1 of 4 stars; one submission).

Conditions:
Hereditary spastic paraplegia 4. Also called: Spastic paraplegia 4, autosomal dominant; Spastic Paraplegia 4; Familial spastic paraplegia autosomal dominant 2. Identifiers: Orphanet 100985, MedGen C1866855, MONDO:0008438, OMIM 182601.

Submission:

Labcorp Genetics (formerly Invitae), Labcorp
Classification: Pathogenic for Hereditary spastic paraplegia 4. Last evaluated: 2024-01-31. Review status: criteria provided, single submitter. Criteria: Invitae Variant Classification Sherloc (09022015). Collection method: clinical testing. Allele origin: germline.
Comment: This sequence change creates a premature translational stop signal (p.Asn316Ilefs*13) in the SPAST gene. It is expected to result in an absent or disrupted protein product. Loss-of-function variants in SPAST are known to be pathogenic (PMID: 20932283). This variant is not present in population databases (gnomAD no frequency). This premature translational stop signal has been observed in individual(s) with hereditary spastic paraplegia (PMID: 12124993). For these reasons, this variant has been classified as Pathogenic.

Literature cited by the submitters: PubMed 20932283; PubMed 12124993.